The following is an entry in ClinVar:

NM_014844.5(TECPR2):c.1418-236C>T

Gene: TECPR2 (tectonin beta-propeller repeat containing 2; plus strand). Cytogenetic location: 14q32.31.
Variant type: single nucleotide variant.
Coding change: c.1418-236C>T on transcript NM_014844.5 (MANE Select); 236 bases into the intron before coding-DNA position 1418, C replaced by T.
Molecular consequence: intron variant.
Genome position (GRCh38, 1-based): chr14:102,433,999, C>T. VCF-style: chr14-102433999-C-T. GRCh37 (hg19) VCF-style: chr14-102900336-C-T.
Other names: c.1418-236C>T (NM_001172631.3).
Identifiers: ClinVar variation 670741 (VCV000670741.1), dbSNP rs3759567, ClinGen allele CA15820396.

ClinVar aggregate classification (germline): Benign (1 of 4 stars; one submission).

Allele frequency attached by ClinVar (database versions not stated): 1000 Genomes Project 0.17812; 1000 Genomes Project 30x 0.17848; TOPMed 0.21361; gnomAD 0.21565 and 0.21923.
gnomAD v4.1: 33,303 of 152,084 alleles (22%); highest among the groups gnomAD compares: Middle Eastern, 31%; 4,329 homozygotes.

Submission:

GeneDx
Classification: Benign. Last evaluated: 2018-06-14. Review status: criteria provided, single submitter. Criteria: GeneDx Variant Classification (06012015). Collection method: clinical testing. Allele origin: germline. Affected: yes.
Comment: This variant is considered likely benign or benign based on one or more of the following criteria: it is a conservative change, it occurs at a poorly conserved position in the protein, it is predicted to be benign by multiple in silico algorithms, and/or has population frequency not consistent with disease.